The following is an entry in ClinVar:

NM_001161352.2(KCNMA1):c.144_170dup (p.Ser60_Val61insSerSerSerSerSerSerSerSerSer)

Gene: KCNMA1 (potassium calcium-activated channel subfamily M alpha 1; minus strand). Cytogenetic location: 10q22.3.
Variant type: Duplication.
Coding change: c.144_170dup on transcript NM_001161352.2 (MANE Select); coding-DNA positions 144 to 170, 27 bases duplicated (TTCTTCTTCTTCCTCCTCCTCTTCCTC).
Protein change: p.Ser60_Val61insSerSerSerSerSerSerSerSerSer.
Molecular consequence: inframe insertion. On other transcripts: inframe indel (1).
Genome position (GRCh38, 1-based): chr10:77,637,473-77,637,499, GAGGAAGAGGAGGAGGAAGAAGAAGAA duplicated on the plus strand (TTCTTCTTCTTCCTCCTCCTCTTCCTC on the coding strand, the reverse complement: KCNMA1 is on the minus strand); duplicating any 27 consecutive bases within chr10:77,637,473-77,637,516 gives the same sequence; the c. name uses the placement nearest the transcript's 3' end. VCF-style (leftmost placement, unchanged base first): chr10-77637472-G-GGAGGAAGAGGAGGAGGAAGAAGAAGAA. GRCh37 (hg19) VCF-style: chr10-79397230-G-GGAGGAAGAGGAGGAGGAAGAAGAAGAA.
Other names: c.144_170dup, p.Ser60_Val61insSerSerSerSerSerSerSerSerSer (NM_001014797.3, NM_001161353.2, NM_001271518.2 and 12 more transcripts); c.127_153dup, p.Ser60_Val61insSerSerSerSerSerSerSerSerSer (NM_001410940.1).
Identifiers: ClinVar variation 2135802 (VCV002135802.4), dbSNP rs2093881834, ClinGen allele CA2580081996.

ClinVar aggregate classification (germline): Uncertain significance (1 of 4 stars; one submission).

Conditions:
Generalized epilepsy-paroxysmal dyskinesia syndrome (PNKD3). Also called: Generalized epilepsy and paroxysmal dyskinesia; Paroxysmal nonkinesigenic dyskinesia, 3, with or without generalized epilepsy. Identifiers: Orphanet 79137, MedGen C5574945, MONDO:0012276, OMIM 609446.

Submission:

Labcorp Genetics (formerly Invitae), Labcorp
Classification: Uncertain significance for Generalized epilepsy-paroxysmal dyskinesia syndrome. Last evaluated: 2022-05-09. Review status: criteria provided, single submitter. Criteria: Invitae Variant Classification Sherloc (09022015). Collection method: clinical testing. Allele origin: germline.
Comment: In summary, the available evidence is currently insufficient to determine the role of this variant in disease. Therefore, it has been classified as a Variant of Uncertain Significance. This variant has not been reported in the literature in individuals affected with KCNMA1-related conditions. This variant is not present in population databases (gnomAD no frequency). This variant, c.144_170dup, results in the insertion of 9 amino acid(s) of the KCNMA1 protein (p.Ser52_Ser60dup), but otherwise preserves the integrity of the reading frame.